The following is an entry in ClinVar:

NM_001458.5(FLNC):c.1503del (p.Lys502fs)

Gene: FLNC (filamin C; plus strand). Cytogenetic location: 7q32.1.
Variant type: Deletion.
Coding change: c.1503del on transcript NM_001458.5 (MANE Select); coding-DNA position 1503, one base deleted (C; older notation c.1503delC).
Protein change: p.Lys502fs; shifts the reading frame from lysine 502.
Molecular consequence: frameshift variant.
Genome position (GRCh38, 1-based): chr7:128,840,114, C deleted; the last of 2 consecutive C bases (chr7:128,840,113-128,840,114); deleting either gives the same sequence. VCF-style (leftmost placement, unchanged base first): chr7-128840112-AC-A. GRCh37 (hg19) VCF-style: chr7-128480166-AC-A.
Other names: c.1503del, p.Lys502fs (NM_001127487.2); short protein forms K502fs.
Identifiers: ClinVar variation 2952852 (VCV002952852.3), dbSNP rs2536624837, ClinGen allele CA2740097543.

ClinVar aggregate classification (germline): Pathogenic (1 of 4 stars; one submission).

Conditions:
Hypertrophic cardiomyopathy 26. Also called: Cardiomyopathy, familial hypertrophic, 26. Identifiers: Orphanet 75249, MedGen C4310749, MONDO:0014883, OMIM 617047.
Myofibrillar myopathy 5. Also called: Filaminopathy (type); FILAMINOPATHY, AUTOSOMAL DOMINANT. Identifiers: Orphanet 171445, MedGen C1836050, MONDO:0012289, OMIM 609524.
Distal myopathy with posterior leg and anterior hand involvement. Also called: WILLIAMS DISTAL MYOPATHY. Identifiers: Orphanet 63273, MedGen C3279722, MONDO:0013550, OMIM 614065.

Submission:

Labcorp Genetics (formerly Invitae), Labcorp
Classification: Pathogenic for Distal myopathy with posterior leg and anterior hand involvement; Myofibrillar myopathy 5; Hypertrophic cardiomyopathy 26. Last evaluated: 2023-10-19. Review status: criteria provided, single submitter. Criteria: Invitae Variant Classification Sherloc (09022015). Collection method: clinical testing. Allele origin: germline.
Comment: This sequence change creates a premature translational stop signal (p.Lys502Argfs*22) in the FLNC gene. It is expected to result in an absent or disrupted protein product. Loss-of-function variants in FLNC are known to be pathogenic (PMID: 27908349). This variant is not present in population databases (gnomAD no frequency). This variant has not been reported in the literature in individuals affected with FLNC-related conditions. For these reasons, this variant has been classified as Pathogenic.

Literature cited by the submitters: PubMed 27908349.